The following is an entry in ClinVar:

ClinVar aggregate classification (germline): Uncertain significance (1 of 4 stars; one submission).

Conditions:
Inborn genetic diseases. Identifiers: MedGen C0950123, MeSH D030342.

Submission:

Ambry Genetics
Classification: Uncertain significance for Inborn genetic diseases. Last evaluated: 2023-09-15. Review status: criteria provided, single submitter. Criteria: Ambry Variant Classification Scheme 2023. Collection method: clinical testing. Allele origin: germline.
Comment: The p.E3K variant (also known as c.7G>A), located in coding exon 1 of the ATR gene, results from a G to A substitution at nucleotide position 7. The glutamic acid at codon 3 is replaced by lysine, an amino acid with similar properties. This amino acid position is conserved. In addition, this alteration is predicted to be tolerated by in silico analysis. Since supporting evidence is limited at this time, the clinical significance of this alteration remains unclear.

NM_001184.4(ATR):c.7G>A (p.Glu3Lys)

Gene: ATR (ATR checkpoint kinase; minus strand). Cytogenetic location: 3q23.
Variant type: single nucleotide variant.
Coding change: c.7G>A on transcript NM_001184.4 (MANE Select); coding-DNA position 7, G replaced by A.
Protein change: p.Glu3Lys; replaces glutamic acid 3 with lysine.
Molecular consequence: missense variant.
Genome position (GRCh38, 1-based): chr3:142,578,698, C>T on the plus strand (G>A on the coding strand, the complement: ATR is on the minus strand). VCF-style: chr3-142578698-C-T. GRCh37 (hg19) VCF-style: chr3-142297540-C-T.
Other names: c.7G>A, p.Glu3Lys (NM_001354579.2); short protein forms E3K.
Identifiers: ClinVar variation 3221303 (VCV003221303.1), dbSNP rs2108512843, ClinGen allele CA354795931.